The following is an entry in ClinVar:

NM_198060.4(NRAP):c.615C>T (p.Ser205=)

Gene: NRAP (nebulin related anchoring protein; minus strand). Cytogenetic location: 10q25.3.
Variant type: single nucleotide variant.
Coding change: c.615C>T on transcript NM_198060.4 (MANE Select); coding-DNA position 615, C replaced by T.
Protein change: p.Ser205=; no amino-acid change (serine 205 retained).
Molecular consequence: synonymous variant.
Genome position (GRCh38, 1-based): chr10:113,651,863, G>A on the plus strand (C>T on the coding strand, the complement: NRAP is on the minus strand). VCF-style: chr10-113651863-G-A. GRCh37 (hg19) VCF-style: chr10-115411622-G-A.
Other names: c.615C>T, p.Ser205= (NM_001261463.2, NM_001322945.2, NM_006175.5); c.615C>T (NM_198060.3).
Identifiers: ClinVar variation 3059675 (VCV003059675.3), dbSNP rs191681659, ClinGen allele CA5695860.
Genomic context (GRCh38, chr10:113,651,863, plus strand): 5'-ATCACTTTGAAGCTGTGCCCCAGCCTTGCTCCGTAGCAGCTCAGGAGTATCCACCACCGT[G>A]GAGAACCTGGAGATGCGTTCATCATGCCCTCTCTTATACTCCACCTGATGAGAAGACAGT-3'
Protein context (NP_932326.2, residues 195-215): RGHDERISRF[Ser205=]TVVDTPELLR

ClinVar aggregate classification (germline): Likely benign. Review status: criteria provided, single submitter (1 of 4 stars). 2 submissions from 2 submitters: Likely benign (1). 1 of the submissions does not count toward it. Last evaluated 2025-04-09.

Conditions:
NRAP-related disorder. Also called: NRAP-related condition.

Allele frequency attached by ClinVar (database versions not stated): gnomAD exomes below 0.00001; ExAC 0.00001; TOPMed 0.00006; gnomAD 0.00007; 1000 Genomes Project 30x 0.00016; 1000 Genomes Project 0.00020.

Submissions (2):

Molecular Diagnostic Laboratory for Inherited Cardiovascular Disease, Montreal Heart Institute
Classification: Likely benign. Last evaluated: 2025-04-09. Review status: criteria provided, single submitter. Criteria: ACMG Guidelines, 2015. Collection method: clinical testing. Allele origin: germline. Affected: no.
Comment: BP6;BP7

PreventionGenetics, part of Exact Sciences
Classification: Likely benign for NRAP-related condition. Last evaluated: 2024-01-02. Review status: no assertion criteria provided. Collection method: clinical testing. Allele origin: germline. Not counted in ClinVar's aggregate classification.
Comment: This variant is classified as likely benign based on ACMG/AMP sequence variant interpretation guidelines (Richards et al. 2015 PMID: 25741868, with internal and published modifications).